The following is an entry in ClinVar:

NM_001130144.3(LTBP3):c.3862T>C (p.Phe1288Leu)

Gene: LTBP3 (latent transforming growth factor beta binding protein 3; minus strand). Cytogenetic location: 11q13.1.
Variant type: single nucleotide variant.
Coding change: c.3862T>C on transcript NM_001130144.3 (MANE Select); coding-DNA position 3862, T replaced by C.
Protein change: p.Phe1288Leu; replaces phenylalanine 1288 with leucine.
Molecular consequence: missense variant.
Genome position (GRCh38, 1-based): chr11:65,539,130, A>G on the plus strand (T>C on the coding strand, the complement: LTBP3 is on the minus strand). VCF-style: chr11-65539130-A-G. GRCh37 (hg19) VCF-style: chr11-65306601-A-G.
Other names: c.3370T>C, p.Phe1124Leu (NM_001164266.1); c.3721T>C, p.Phe1241Leu (NM_021070.4); short protein forms F1124L, F1288L, F1241L.
Identifiers: ClinVar variation 2717165 (VCV002717165.3), dbSNP rs1855923743, ClinGen allele CA381265848.

ClinVar aggregate classification (germline): Uncertain significance (1 of 4 stars; one submission).

Conditions:
Brachyolmia-amelogenesis imperfecta syndrome. Also called: PLATYSPONDYLY WITH AMELOGENESIS IMPERFECTA; Tooth agenesis, selective, 6; Dental anomalies and short stature. Identifiers: Orphanet 2899, MedGen C1832594, MONDO:0011018, OMIM 601216. Disease mechanism: loss of function.

Submission:

Labcorp Genetics (formerly Invitae), Labcorp
Classification: Uncertain significance for Brachyolmia-amelogenesis imperfecta syndrome. Last evaluated: 2025-09-28. Review status: criteria provided, single submitter. Criteria: Invitae Variant Classification Sherloc (09022015). Collection method: clinical testing. Allele origin: germline.
Comment: This sequence change replaces phenylalanine, which is neutral and non-polar, with leucine, which is neutral and non-polar, at codon 1288 of the LTBP3 protein (p.Phe1288Leu). This variant is not present in population databases (gnomAD no frequency). This variant has not been reported in the literature in individuals affected with LTBP3-related conditions. ClinVar contains an entry for this variant (Variation ID: 2717165). An algorithm developed to predict the effect of missense changes on protein structure and function (PolyPhen-2) suggests that this variant is likely to be disruptive. In summary, the available evidence is currently insufficient to determine the role of this variant in disease. Therefore, it has been classified as a Variant of Uncertain Significance.